The following is an entry in ClinVar:

ClinVar aggregate classification (germline): Uncertain significance. Review status: criteria provided, multiple submitters, no conflicts (2 of 4 stars). 2 submissions from 2 submitters: Uncertain significance (2). Last evaluated 2025-10-23.

Conditions:
Congenital afibrinogenemia. Identifiers: Orphanet 335, Orphanet 98880, MedGen C2584774, MONDO:0008737, OMIM 202400.
FGA-related disorder. Also called: FGA-related condition; FGA-related disorders.

Allele frequency attached by ClinVar (database versions not stated): TOPMed below 0.00001.
gnomAD v4.1: 1 of 1,614,158 alleles (0.000062%); highest among the groups gnomAD compares: Middle Eastern, 0.016%; no homozygotes.

Submissions (2):

PreventionGenetics, part of Exact Sciences
Classification: Uncertain significance for FGA-related condition. Last evaluated: 2025-10-23. Review status: criteria provided, single submitter. Criteria: ACMG Guidelines, 2015. Collection method: clinical testing. Allele origin: germline.
Comment: The FGA c.2372A>T variant is predicted to result in the amino acid substitution p.Asp791Val. This variant has been reported in a cohort study of individuals with hematological diseases, mainly bleeding disorders (Supplementary Table 4, Baz. 2021. PubMed ID: 34272389). This variant has not been reported in a large population database (gnomAD), indicating this variant is rare. At this time, the clinical significance of this variant is uncertain due to the absence of conclusive functional and genetic evidence.

Genomic Medicine Center of Excellence, King Faisal Specialist Hospital and Research Centre
Classification: Uncertain significance for Congenital afibrinogenemia. Last evaluated: 2021-04-28. Review status: criteria provided, single submitter. Criteria: ACMG Guidelines, 2015. Collection method: research. Allele origin: germline.

NM_000508.5(FGA):c.2372A>T (p.Asp791Val)

Gene: FGA (fibrinogen alpha chain; minus strand). Cytogenetic location: 4q31.3.
Variant type: single nucleotide variant.
Coding change: c.2372A>T on transcript NM_000508.5; coding-DNA position 2372, A replaced by T.
Protein change: p.Asp791Val; replaces aspartic acid 791 with valine.
Molecular consequence: missense variant.
Genome position (GRCh38, 1-based): chr4:154,584,353, T>A on the plus strand (A>T on the coding strand, the complement: FGA is on the minus strand). VCF-style: chr4-154584353-T-A. GRCh37 (hg19) VCF-style: chr4-155505505-T-A.
Other names: short protein forms D791V.
Identifiers: ClinVar variation 1098472 (VCV001098472.5), dbSNP rs1479874554, ClinGen allele CA358522986.